The following is an entry in ClinVar:

ClinVar aggregate classification (germline): Uncertain significance. Review status: criteria provided, multiple submitters, no conflicts (2 of 4 stars). 4 submissions from 4 submitters: Uncertain significance (4). Last evaluated 2024-01-30.

Conditions:
Hereditary nonpolyposis colorectal neoplasms. Identifiers: MedGen C0009405, MeSH D003123.
Hereditary cancer-predisposing syndrome. Also called: Neoplastic Syndromes, Hereditary; Tumor predisposition; Hereditary Cancer Syndrome; Hereditary neoplastic syndrome. Identifiers: Orphanet 140162, MedGen C0027672, MeSH D009386, MONDO:0015356.

Submissions (4):

GeneDx
Classification: Uncertain significance. Last evaluated: 2024-01-30. Review status: criteria provided, single submitter. Criteria: GeneDx Variant Classification Process June 2021. Collection method: clinical testing. Allele origin: germline. Affected: yes.
Comment: Not observed at significant frequency in large population cohorts (gnomAD); In silico analysis supports that this missense variant has a deleterious effect on protein structure/function; Has not been previously published as pathogenic or benign to our knowledge

Color Diagnostics, LLC DBA Color Health
Classification: Uncertain significance for Hereditary cancer-predisposing syndrome. Last evaluated: 2023-12-05. Review status: criteria provided, single submitter. Criteria: ACMG Guidelines, 2015. Collection method: clinical testing. Allele origin: germline.
Comment: This missense variant replaces leucine with phenylalanine at codon 1235 of the MSH6 protein. Computational prediction suggests that this variant may have deleterious impact on protein structure and function (internally defined REVEL score threshold >= 0.7, PMID: 27666373). To our knowledge, functional studies have not been reported for this variant. This variant has not been reported in individuals affected with MSH6-related disorders in the literature. This variant has not been identified in the general population by the Genome Aggregation Database (gnomAD). The available evidence is insufficient to determine the role of this variant in disease conclusively. Therefore, this variant is classified as a Variant of Uncertain Significance.

Ambry Genetics
Classification: Uncertain significance for Hereditary cancer-predisposing syndrome. Last evaluated: 2023-11-17. Review status: criteria provided, single submitter. Criteria: Ambry Variant Classification Scheme 2023. Collection method: clinical testing. Allele origin: germline.
Comment: The p.L1235F variant (also known as c.3703C>T), located in coding exon 8 of the MSH6 gene, results from a C to T substitution at nucleotide position 3703. The leucine at codon 1235 is replaced by phenylalanine, an amino acid with highly similar properties. This amino acid position is highly conserved in available vertebrate species. In addition, this alteration is predicted to be deleterious by in silico analysis. Since supporting evidence is limited at this time, the clinical significance of this alteration remains unclear.

Labcorp Genetics (formerly Invitae), Labcorp
Classification: Uncertain significance for Hereditary nonpolyposis colorectal neoplasms. Last evaluated: 2020-01-13. Review status: criteria provided, single submitter. Criteria: Invitae Variant Classification Sherloc (09022015). Collection method: clinical testing. Allele origin: germline.
Comment: In summary, the available evidence is currently insufficient to determine the role of this variant in disease. Therefore, it has been classified as a Variant of Uncertain Significance. Algorithms developed to predict the effect of missense changes on protein structure and function are either unavailable or do not agree on the potential impact of this missense change (SIFT: "Deleterious"; PolyPhen-2: "Probably Damaging"; Align-GVGD: "Class C0"). This variant has not been reported in the literature in individuals with MSH6-related conditions. This variant is not present in population databases (ExAC no frequency). This sequence change replaces leucine with phenylalanine at codon 1235 of the MSH6 protein (p.Leu1235Phe). The leucine residue is highly conserved and there is a small physicochemical difference between leucine and phenylalanine.

NM_000179.3(MSH6):c.3703C>T (p.Leu1235Phe)

Gene: MSH6 (mutS homolog 6; plus strand). Cytogenetic location: 2p16.3.
Variant type: single nucleotide variant.
Coding change: c.3703C>T on transcript NM_000179.3 (MANE Select); coding-DNA position 3703, C replaced by T.
Protein change: p.Leu1235Phe; replaces leucine 1235 with phenylalanine.
Molecular consequence: missense variant.
Genome position (GRCh38, 1-based): chr2:47,806,260, C>T. VCF-style: chr2-47806260-C-T. GRCh37 (hg19) VCF-style: chr2-48033399-C-T.
Other names: c.3313C>T, p.Leu1105Phe (NM_001281492.2); c.2797C>T, p.Leu933Phe (NM_001281493.2, NM_001281494.2); short protein forms L933F, L1105F, L1235F.
Identifiers: ClinVar variation 920280 (VCV000920280.17), dbSNP rs876661084, ClinGen allele CA346760985.